The following is an entry in ClinVar:

NM_001110556.2(FLNA):c.4436G>C (p.Gly1479Ala)

Gene: FLNA (filamin A; minus strand). Cytogenetic location: Xq28.
Variant type: single nucleotide variant.
Coding change: c.4436G>C on transcript NM_001110556.2 (MANE Select); coding-DNA position 4436, G replaced by C.
Protein change: p.Gly1479Ala; replaces glycine 1479 with alanine.
Molecular consequence: missense variant.
Genome position (GRCh38, 1-based): chrX:154,359,022, C>G on the plus strand (G>C on the coding strand, the complement: FLNA is on the minus strand). VCF-style: chrX-154359022-C-G. GRCh37 (hg19) VCF-style: chrX-153587390-C-G.
Other names: c.4436G>C, p.Gly1479Ala (NM_001456.4); short protein forms G1479A.
Identifiers: ClinVar variation 4789584 (VCV004789584.1).

ClinVar aggregate classification (germline): Uncertain significance (1 of 4 stars; one submission).

Conditions:
Heterotopia, periventricular, X-linked dominant (PVNH1). Also called: PERIVENTRICULAR NODULAR HETEROTOPIA 4; HETEROTOPIA, PERIVENTRICULAR, 1; PERIVENTRICULAR NODULAR HETEROTOPIA 1; X-linked periventricular heterotopia. Identifiers: Orphanet 2149, Orphanet 82004, MedGen C1848213, MONDO:0010233, OMIM 300049.
Oto-palato-digital syndrome, type II (OPD2). Also called: Otopalatodigital Syndrome, Type II; FACIOPALATOOSSEOUS SYNDROME; OPD II SYNDROME; Otopalatodigital Syndrome Type 2 (FLNA-OPD2). Identifiers: Orphanet 669, Orphanet 90652, MedGen C1844696, MONDO:0010571, OMIM 304120.
Melnick-Needles syndrome (MNS). Also called: MELNICK-NEEDLES OSTEODYSPLASTY; OSTEODYSPLASTY OF MELNICK AND NEEDLES; Melnick-Needles Syndrome (FLNA-MNS). Identifiers: Orphanet 2484, MedGen C0025237, MONDO:0010650, OMIM 309350.
Frontometaphyseal dysplasia (FMD1). Identifiers: Orphanet 1826, MedGen C0265293, MONDO:0015942.

Submission:

Labcorp Genetics (formerly Invitae), Labcorp
Classification: Uncertain significance for Oto-palato-digital syndrome, type II; Heterotopia, periventricular, X-linked dominant; Frontometaphyseal dysplasia; Melnick-Needles syndrome. Last evaluated: 2025-03-07. Review status: criteria provided, single submitter. Criteria: Invitae Variant Classification Sherloc (09022015). Collection method: clinical testing. Allele origin: germline.
Comment: This sequence change replaces glycine, which is neutral and non-polar, with alanine, which is neutral and non-polar, at codon 1479 of the FLNA protein (p.Gly1479Ala). This variant is not present in population databases (gnomAD no frequency). This variant has not been reported in the literature in individuals affected with FLNA-related conditions. Invitae Evidence Modeling of protein sequence and biophysical properties (such as structural, functional, and spatial information, amino acid conservation, physicochemical variation, residue mobility, and thermodynamic stability) has been performed for this missense variant. However, the output from this modeling did not meet the statistical confidence thresholds required to predict the impact of this variant on FLNA protein function. In summary, the available evidence is currently insufficient to determine the role of this variant in disease. Therefore, it has been classified as a Variant of Uncertain Significance.